The following is an entry in ClinVar:

NM_006939.4(SOS2):c.3869C>A (p.Pro1290His)

Gene: SOS2 (SOS Ras/Rho guanine nucleotide exchange factor 2; minus strand). Cytogenetic location: 14q21.3.
Variant type: single nucleotide variant.
Coding change: c.3869C>A on transcript NM_006939.4 (MANE Select); coding-DNA position 3869, C replaced by A.
Protein change: p.Pro1290His; replaces proline 1290 with histidine.
Molecular consequence: missense variant.
Genome position (GRCh38, 1-based): chr14:50,118,474, G>T on the plus strand (C>A on the coding strand, the complement: SOS2 is on the minus strand). VCF-style: chr14-50118474-G-T. GRCh37 (hg19) VCF-style: chr14-50585192-G-T.
Other names: short protein forms P1290H.
Identifiers: ClinVar variation 1516805 (VCV001516805.8), dbSNP rs1244881868, ClinGen allele CA389637232.

ClinVar aggregate classification (germline): Uncertain significance (1 of 4 stars; one submission).

Conditions:
Noonan syndrome 9 (NS9). Identifiers: Orphanet 648, MedGen C4225282, MONDO:0014691, OMIM 616559.

Allele frequency attached by ClinVar (database versions not stated): gnomAD exomes below 0.00001; TOPMed 0.00001.
gnomAD v4.1: 1 of 1,614,078 alleles (0.000062%); highest among the groups gnomAD compares: Admixed American, 0.0017%; no homozygotes.

Submission:

Labcorp Genetics (formerly Invitae), Labcorp
Classification: Uncertain significance for Noonan syndrome 9. Last evaluated: 2021-06-16. Review status: criteria provided, single submitter. Criteria: Invitae Variant Classification Sherloc (09022015). Collection method: clinical testing. Allele origin: germline.
Comment: In summary, the available evidence is currently insufficient to determine the role of this variant in disease. Therefore, it has been classified as a Variant of Uncertain Significance. Algorithms developed to predict the effect of missense changes on protein structure and function do not agree on the potential impact of this missense change (SIFT: "Deleterious"; PolyPhen-2: "Probably Damaging"; Align-GVGD: "Class C15"). This variant has not been reported in the literature in individuals with SOS2-related disease. This variant is not present in population databases (ExAC no frequency). This sequence change replaces proline with histidine at codon 1290 of the SOS2 protein (p.Pro1290His). The proline residue is highly conserved and there is a moderate physicochemical difference between proline and histidine.